The following is an entry in ClinVar:

NM_002693.3(POLG):c.2161G>A (p.Ala721Thr)

Gene: POLG (DNA polymerase gamma, catalytic subunit; minus strand). Cytogenetic location: 15q26.1.
Variant type: single nucleotide variant.
Coding change: c.2161G>A on transcript NM_002693.3 (MANE Select); coding-DNA position 2161, G replaced by A.
Protein change: p.Ala721Thr; replaces alanine 721 with threonine.
Molecular consequence: missense variant.
Genome position (GRCh38, 1-based): chr15:89,323,508, C>T on the plus strand (G>A on the coding strand, the complement: POLG is on the minus strand). VCF-style: chr15-89323508-C-T. GRCh37 (hg19) VCF-style: chr15-89866739-C-T.
Other names: c.2161G>A, p.Ala721Thr (NM_001126131.2); short protein forms A721T.
Identifiers: ClinVar variation 3707768 (VCV003707768.2).

ClinVar aggregate classification (germline): Uncertain significance (1 of 4 stars; one submission).

Conditions:
Progressive sclerosing poliodystrophy (MTDPS4A). Also called: ALPERS PROGRESSIVE INFANTILE POLIODYSTROPHY; NEURONAL DEGENERATION OF CHILDHOOD WITH LIVER DISEASE, PROGRESSIVE; Alpers Syndrome; ALPERS DIFFUSE DEGENERATION OF CEREBRAL GRAY MATTER WITH HEPATIC CIRRHOSIS; Alpers-Huttenlocher Syndrome; Mitochondrial DNA depletion syndrome 4A (Alpers type). Identifiers: Orphanet 726, MedGen C0205710, MONDO:0008758, OMIM 203700.

gnomAD v4.1: 1 of 1,606,700 alleles (0.000062%); no homozygotes.

Submission:

Labcorp Genetics (formerly Invitae), Labcorp
Classification: Uncertain significance for Progressive sclerosing poliodystrophy. Last evaluated: 2024-07-08. Review status: criteria provided, single submitter. Criteria: Invitae Variant Classification Sherloc (09022015). Collection method: clinical testing. Allele origin: germline.
Comment: This sequence change replaces alanine, which is neutral and non-polar, with threonine, which is neutral and polar, at codon 721 of the POLG protein (p.Ala721Thr). This variant is present in population databases (no rsID available, gnomAD 0.0009%). This variant has not been reported in the literature in individuals affected with POLG-related conditions. Advanced modeling of protein sequence and biophysical properties (such as structural, functional, and spatial information, amino acid conservation, physicochemical variation, residue mobility, and thermodynamic stability) performed at Invitae indicates that this missense variant is not expected to disrupt POLG protein function with a negative predictive value of 95%. In summary, the available evidence is currently insufficient to determine the role of this variant in disease. Therefore, it has been classified as a Variant of Uncertain Significance.